The following is an entry in ClinVar:

ClinVar aggregate classification (germline): Likely pathogenic (1 of 4 stars; one submission).

gnomAD v4.1: 4 of 1,537,696 alleles (0.00026%); highest among the groups gnomAD compares: Non-Finnish European, 0.00026%; no homozygotes.

Submission:

Labcorp Genetics (formerly Invitae), Labcorp
Classification: Likely pathogenic. Last evaluated: 2025-02-25. Review status: criteria provided, single submitter. Criteria: Invitae Variant Classification Sherloc (09022015). Collection method: clinical testing. Allele origin: germline.
Comment: This sequence change affects an acceptor splice site in intron 20 of the ITPR1 gene. It is expected to disrupt RNA splicing. Variants that disrupt the donor or acceptor splice site typically lead to a loss of protein function (PMID: 16199547), and loss-of-function variants in ITPR1 are known to be pathogenic (PMID: 27108797). This variant is present in population databases (no rsID available, gnomAD 0.002%). This variant has not been reported in the literature in individuals affected with ITPR1-related conditions. Algorithms developed to predict the effect of sequence changes on RNA splicing suggest that this variant may disrupt the consensus splice site. In summary, the currently available evidence indicates that the variant is pathogenic, but additional data are needed to prove that conclusively. Therefore, this variant has been classified as Likely Pathogenic.

Literature cited by the submitters: PubMed 16199547; PubMed 27108797.

NM_001378452.1(ITPR1):c.2457-2A>C

Gene: ITPR1 (inositol 1,4,5-trisphosphate receptor type 1; plus strand). Cytogenetic location: 3p26.1.
Variant type: single nucleotide variant.
Coding change: c.2457-2A>C on transcript NM_001378452.1 (MANE Select); the canonical splice acceptor site of the intron before coding-DNA position 2457, A replaced by C.
Molecular consequence: splice acceptor variant.
Genome position (GRCh38, 1-based): chr3:4,674,200, A>C. VCF-style: chr3-4674200-A-C. GRCh37 (hg19) VCF-style: chr3-4715884-A-C.
Other names: c.2457-2A>C (NM_001099952.4); c.2412-2A>C (NM_001168272.2, NM_002222.7).
Identifiers: ClinVar variation 4770544 (VCV004770544.1).